The following is an entry in ClinVar:

NM_144596.4(TTC8):c.490-9C>T

Gene: TTC8 (tetratricopeptide repeat domain 8; plus strand). Cytogenetic location: 14q31.3.
Variant type: single nucleotide variant.
Coding change: c.490-9C>T on transcript NM_144596.4 (MANE Select); 9 bases into the intron before coding-DNA position 490, C replaced by T.
Molecular consequence: intron variant.
Genome position (GRCh38, 1-based): chr14:88,841,416, C>T. VCF-style: chr14-88841416-C-T. GRCh37 (hg19) VCF-style: chr14-89307760-C-T.
Other names: c.-103-9C>T (NM_001288782.1); c.460-9C>T (NM_001288781.1, NM_198309.3, NM_001366535.2); c.-199+220C>T (NM_001288783.1); c.459+220C>T (NM_198310.3, NM_001366536.2); c.490-9C>T (NM_144596.3).
Identifiers: ClinVar variation 772429 (VCV000772429.10), dbSNP rs770386094, ClinGen allele CA615691927.
Genomic context (GRCh38, chr14:88,841,416, plus strand): 5'-GCATATTAAACTTGTTTACATTTCAAGAGAAAGTTTCAGATCTCTTGGTCTATTGTTTTT[C>T]CTCTGTAGGCTTCCATGCTTACAAGTCCTGATGGACCATTTATAAATTTATCTAGGCTGA-3'

ClinVar aggregate classification (germline): Likely benign. Review status: criteria provided, single submitter (1 of 4 stars). 2 submissions from 2 submitters: Likely benign (1). 1 of the submissions does not count toward it. Last evaluated 2022-09-30.

Conditions:
TTC8-related disorder. Also called: TTC8-related condition.
Bardet-Biedl syndrome (BBS). Identifiers: Orphanet 110, MedGen C0752166, MONDO:0015229.

gnomAD v4.1: 1 of 1,613,200 alleles (0.000062%); highest among the groups gnomAD compares: Admixed American, 0.0017%; no homozygotes.

Submissions (2):

Labcorp Genetics (formerly Invitae), Labcorp
Classification: Likely benign for Bardet-Biedl syndrome. Last evaluated: 2022-09-30. Review status: criteria provided, single submitter. Criteria: Invitae Variant Classification Sherloc (09022015). Collection method: clinical testing. Allele origin: germline.

PreventionGenetics, part of Exact Sciences
Classification: Likely benign for TTC8-related condition. Last evaluated: 2023-08-02. Review status: no assertion criteria provided. Collection method: clinical testing. Allele origin: germline. Not counted in ClinVar's aggregate classification.
Comment: This variant is classified as likely benign based on ACMG/AMP sequence variant interpretation guidelines (Richards et al. 2015 PMID: 25741868, with internal and published modifications).